The following is an entry in ClinVar:

NM_020066.5(FMN2):c.3258C>T (p.Pro1086=)

Gene: FMN2 (formin 2; plus strand). Cytogenetic location: 1q43.
Variant type: single nucleotide variant.
Coding change: c.3258C>T on transcript NM_020066.5 (MANE Select); coding-DNA position 3258, C replaced by T.
Protein change: p.Pro1086=; no amino-acid change (proline 1086 retained).
Molecular consequence: synonymous variant. On other transcripts: intron variant (1).
Genome position (GRCh38, 1-based): chr1:240,208,070, C>T. VCF-style: chr1-240208070-C-T. GRCh37 (hg19) VCF-style: chr1-240371370-C-T.
Other names: c.3270C>T, p.Pro1090= (NM_001305424.2); c.1986+19808C>T (NM_001348094.2).
Identifiers: ClinVar variation 2640176 (VCV002640176.24), dbSNP rs766445082, ClinGen allele CA1477058.

ClinVar aggregate classification (germline): Likely benign (1 of 4 stars; one submission).

Allele frequency attached by ClinVar (database versions not stated): ExAC 0.00004.

Submission:

CeGaT Center for Human Genetics Tuebingen
Classification: Likely benign. Last evaluated: 2026-03-01. Review status: criteria provided, single submitter. Criteria: CeGaT Center For Human Genetics Tuebingen Variant Classification Criteria Version 2. Collection method: clinical testing. Allele origin: germline. Affected: yes. Observed: 4 variant alleles.
Comment: FMN2: BP4, BP7